The following is an entry in ClinVar:

NM_000104.4(CYP1B1):c.1023G>A (p.Trp341Ter)

Gene: CYP1B1 (cytochrome P450 family 1 subfamily B member 1; minus strand). Cytogenetic location: 2p22.2.
Variant type: single nucleotide variant.
Coding change: c.1023G>A on transcript NM_000104.4 (MANE Select); coding-DNA position 1023, G replaced by A.
Protein change: p.Trp341Ter; replaces tryptophan 341 with a stop codon.
Molecular consequence: nonsense.
Genome position (GRCh38, 1-based): chr2:38,074,366, C>T on the plus strand (G>A on the coding strand, the complement: CYP1B1 is on the minus strand). VCF-style: chr2-38074366-C-T. GRCh37 (hg19) VCF-style: chr2-38301509-C-T.
Other names: short protein forms W341*.
Identifiers: ClinVar variation 2681139 (VCV002681139.5), dbSNP rs1217351630, ClinGen allele CA346328028.

ClinVar aggregate classification (germline): Pathogenic/Likely pathogenic. Review status: criteria provided, multiple submitters, no conflicts (2 of 4 stars). 3 submissions from 3 submitters: Pathogenic (2); Likely pathogenic (1). Last evaluated 2025-04-02.

Conditions:
Congenital glaucoma. Identifiers: MedGen C0020302, MONDO:0020366.
Anterior segment dysgenesis 6 (ASGD6). Also called: Anterior segment dysgenesis 6, multiple subtypes. Identifiers: MedGen C4310623, MONDO:0015016, OMIM 617315.

Allele frequency attached by ClinVar (database versions not stated): gnomAD exomes below 0.00001; TOPMed 0.00002.

Submissions (3):

Labcorp Genetics (formerly Invitae), Labcorp
Classification: Pathogenic for Congenital glaucoma. Last evaluated: 2025-04-02. Review status: criteria provided, single submitter. Criteria: Invitae Variant Classification Sherloc (09022015). Collection method: clinical testing. Allele origin: germline.
Comment: This sequence change creates a premature translational stop signal (p.Trp341*) in the CYP1B1 gene. While this is not anticipated to result in nonsense mediated decay, it is expected to disrupt the last 203 amino acid(s) of the CYP1B1 protein. This variant is not present in population databases (gnomAD no frequency). This premature translational stop signal has been observed in individual(s) with primary congenital glaucoma (PMID: 19234632). ClinVar contains an entry for this variant (Variation ID: 2681139). This variant disrupts a region of the CYP1B1 protein in which other variant(s) (p.Met503*) have been determined to be pathogenic (PMID: 17591938). This suggests that this is a clinically significant region of the protein, and that variants that disrupt it are likely to be disease-causing. For these reasons, this variant has been classified as Pathogenic.

Dasa
Classification: Likely pathogenic. Last evaluated: 2025-03-06. Review status: criteria provided, single submitter. Criteria: DASA Assertion Criteria. Collection method: clinical testing. Allele origin: germline.
Comment: NM_000104.4(CYP1B1):c.1023G>A (p.Trp341*) is a nonsense variant in CYP1B1 predicted to introduce a premature termination codon and is predicted to result in an absent or altered protein product. Loss of function is an established disease mechanism for CYP1B1-associated disorders. This variant has been reported in individuals with CYP1B1-related disorders (PMID: 19234632). Also, this variant is rare in population databases. Based on the currently available evidence, this variant is classified as likely pathogenic.

Baylor Genetics
Classification: Pathogenic for Anterior segment dysgenesis 6. Last evaluated: 2022-01-19. Review status: criteria provided, single submitter. Criteria: ACMG Guidelines, 2015. Collection method: clinical testing. Allele origin: unknown.

Literature cited by the submitters: PubMed 19234632 (cited by Labcorp Genetics (formerly Invitae), Labcorp and Dasa); PubMed 17591938 (cited by Labcorp Genetics (formerly Invitae), Labcorp).